The following is an entry in ClinVar:

ClinVar aggregate classification (germline): Conflicting classifications of pathogenicity. Review status: criteria provided, conflicting classifications (1 of 4 stars). 4 submissions from 4 submitters: Likely pathogenic (1); Uncertain significance (3). Last evaluated 2023-07-31.

Conditions:
Inborn genetic diseases. Identifiers: MedGen C0950123, MeSH D030342.
Developmental and epileptic encephalopathy, 1 (DEE1). Also called: INFANTILE SPASM SYNDROME, X-LINKED 1; Epileptic encephalopathy, early infantile, 1; OHTAHARA SYNDROME, X-LINKED; X-linked infantile spasms; West's syndrome; Tonic spasms with clustering, arrest of psychomotor development and hypsarrhythmia on EEG. Identifiers: MedGen C3463992, MONDO:0010632, OMIM 308350. Disease mechanism: loss of function.
Autosomal dominant nonsyndromic hearing loss 65. Also called: TBC1D24-Related Autosomal Dominant Nonsyndromic Hearing Loss (DFNA); Deafness, autosomal dominant 65. Identifiers: Orphanet 90635, MedGen C3892048, MONDO:0014470, OMIM 616044.

Allele frequency attached by ClinVar (database versions not stated): TOPMed below 0.00001.

Submissions (4):

Labcorp Genetics (formerly Invitae), Labcorp
Classification: Uncertain significance for Developmental and epileptic encephalopathy, 1; Autosomal dominant nonsyndromic hearing loss 65. Last evaluated: 2023-07-31. Review status: criteria provided, single submitter. Criteria: Invitae Variant Classification Sherloc (09022015). Collection method: clinical testing. Allele origin: germline.
Comment: Advanced modeling of protein sequence and biophysical properties (such as structural, functional, and spatial information, amino acid conservation, physicochemical variation, residue mobility, and thermodynamic stability) has been performed at Invitae for this missense variant, however the output from this modeling did not meet the statistical confidence thresholds required to predict the impact of this variant on TBC1D24 protein function. In summary, the available evidence is currently insufficient to determine the role of this variant in disease. Therefore, it has been classified as a Variant of Uncertain Significance. ClinVar contains an entry for this variant (Variation ID: 588435). This sequence change replaces proline, which is neutral and non-polar, with alanine, which is neutral and non-polar, at codon 391 of the TBC1D24 protein (p.Pro391Ala). This variant is not present in population databases (gnomAD no frequency). This variant has not been reported in the literature in individuals affected with TBC1D24-related conditions.

GeneDx
Classification: Likely pathogenic. Last evaluated: 2021-02-23. Review status: criteria provided, single submitter. Criteria: GeneDx Variant Classification Process June 2021. Collection method: clinical testing. Allele origin: germline. Affected: yes.
Comment: Not observed in large population cohorts (Lek et al., 2016); In silico analysis supports that this missense variant has a deleterious effect on protein structure/function; Has not been previously published as pathogenic or benign to our knowledge

CeGaT Center for Human Genetics Tuebingen
Classification: Uncertain significance. Last evaluated: 2020-12-01. Review status: criteria provided, single submitter. Criteria: CeGaT Center For Human Genetics Tuebingen Variant Classification Criteria Version 2. Collection method: clinical testing. Allele origin: germline. Affected: yes. Observed: 1 variant allele.

Ambry Genetics
Classification: Uncertain significance for Inborn genetic diseases. Last evaluated: 2016-11-16. Review status: criteria provided, single submitter. Criteria: Ambry Variant Classification Scheme 2023. Collection method: clinical testing. Allele origin: germline.
Comment: The p.P391A variant (also known as c.1171C>G), located in coding exon 4 of the TBC1D24 gene, results from a C to G substitution at nucleotide position 1171. The proline at codon 391 is replaced by alanine, an amino acid with highly similar properties. This variant was not reported in population based cohorts in the following databases: Database of Single Nucleotide Polymorphisms (dbSNP), NHLBI Exome Sequencing Project (ESP), and 1000 Genomes Project. In the ESP, this variant was not observed in 6391 samples (12782 alleles) with coverage at this position. This amino acid position is highly conserved in available vertebrate species. In addition, this alteration is predicted to be deleterious by in silico analysis. Since supporting evidence is limited at this time, the clinical significance of this alteration remains unclear.

NM_001199107.2(TBC1D24):c.1171C>G (p.Pro391Ala)

Gene: TBC1D24 (TBC1 domain family member 24; plus strand). Cytogenetic location: 16p13.3.
Variant type: single nucleotide variant.
Coding change: c.1171C>G on transcript NM_001199107.2 (MANE Select); coding-DNA position 1171, C replaced by G.
Protein change: p.Pro391Ala; replaces proline 391 with alanine.
Molecular consequence: missense variant.
Genome position (GRCh38, 1-based): chr16:2,499,385, C>G. VCF-style: chr16-2499385-C-G. GRCh37 (hg19) VCF-style: chr16-2549386-C-G.
Other names: c.1153C>G, p.Pro385Ala (NM_020705.3); short protein forms P391A, P385A.
Identifiers: ClinVar variation 588435 (VCV000588435.51), dbSNP rs1435411888, ClinGen allele CA394379999.